The following is an entry in ClinVar:

NM_002976.4(SCN7A):c.1798A>T (p.Met600Leu)

Gene: SCN7A (sodium voltage-gated channel alpha subunit 7; minus strand). Cytogenetic location: 2q24.3.
Variant type: single nucleotide variant.
Coding change: c.1798A>T on transcript NM_002976.4 (MANE Select); coding-DNA position 1798, A replaced by T.
Protein change: p.Met600Leu; replaces methionine 600 with leucine.
Molecular consequence: missense variant. On other transcripts: non-coding transcript variant (1).
Genome position (GRCh38, 1-based): chr2:166,443,505, T>A on the plus strand (A>T on the coding strand, the complement: SCN7A is on the minus strand). VCF-style: chr2-166443505-T-A. GRCh37 (hg19) VCF-style: chr2-167300015-T-A.
Other names: short protein forms M600L.
Identifiers: ClinVar variation 777566 (VCV000777566.7), dbSNP rs34183637, ClinGen allele CA1945595.

ClinVar aggregate classification (germline): Benign. Review status: criteria provided, multiple submitters, no conflicts (2 of 4 stars). 3 submissions from 3 submitters: Benign (2). 1 of the submissions does not count toward it. Last evaluated 2019-12-31.

Conditions:
SCN7A-related disorder. Also called: SCN7A-related condition.

Allele frequency attached by ClinVar (database versions not stated): gnomAD 0.01284 and 0.01378; ESP Exome Variant Server 0.01385; TOPMed 0.01481; 1000 Genomes Project 0.01538; 1000 Genomes Project 30x 0.01655; gnomAD exomes 0.00293; ExAC 0.00796.
gnomAD v4.1: 3,785 of 1,590,294 alleles (0.24%); highest among the groups gnomAD compares: African/African-American, 4.6%; 99 homozygotes.

Submissions (3):

Labcorp Genetics (formerly Invitae), Labcorp
Classification: Benign. Last evaluated: 2019-12-31. Review status: criteria provided, single submitter. Criteria: Invitae Variant Classification Sherloc (09022015). Collection method: clinical testing. Allele origin: germline.

Breakthrough Genomics
Classification: Benign. Review status: criteria provided, single submitter. Criteria: ACMG Guidelines, 2015. Collection method: not provided. Allele origin: germline. Inheritance: Unknown mechanism. Affected: yes.

PreventionGenetics, part of Exact Sciences
Classification: Benign for SCN7A-related condition. Last evaluated: 2019-12-03. Review status: no assertion criteria provided. Collection method: clinical testing. Allele origin: germline. Not counted in ClinVar's aggregate classification.
Comment: This variant is classified as benign based on ACMG/AMP sequence variant interpretation guidelines (Richards et al. 2015 PMID: 25741868, with internal and published modifications).